The following is an entry in ClinVar:

NM_001453.3(FOXC1):c.379C>A (p.Arg127Ser)

Gene: FOXC1 (forkhead box C1; plus strand). Cytogenetic location: 6p25.3.
Variant type: single nucleotide variant.
Coding change: c.379C>A on transcript NM_001453.3 (MANE Select); coding-DNA position 379, C replaced by A.
Protein change: p.Arg127Ser; replaces arginine 127 with serine.
Molecular consequence: missense variant.
Genome position (GRCh38, 1-based): chr6:1,610,824, C>A. VCF-style: chr6-1610824-C-A. GRCh37 (hg19) VCF-style: chr6-1611059-C-A.
Other names: short protein forms R127S.
Identifiers: ClinVar variation 3344356 (VCV003344356.1).

ClinVar aggregate classification (germline): Likely pathogenic (0 of 4 stars; one submission).

Conditions:
FOXC1-related disorder. Also called: FOXC1-related condition.

Submission:

PreventionGenetics, part of Exact Sciences
Classification: Likely pathogenic for FOXC1-related condition. Last evaluated: 2024-06-12. Review status: no assertion criteria provided. Collection method: clinical testing. Allele origin: germline.
Comment: The FOXC1 c.379C>A variant is predicted to result in the amino acid substitution p.Arg127Ser. To our knowledge, this variant has not been reported in the literature or in a large population database, indicating this variant is rare. This variant is found within the forkhead domain of the FOXC1 protein, which is considered to be a hotspot for pathogenic variants. Different variants that affect this same amino acid residue (p.Arg127Cys and p.Arg127Leu) have been reported in individuals with Axenfeld-Rieger syndrome (Khalil et al. 2017. PubMed ID: 28979898; Du et al. 2016. PubMed ID: 24914578). We interpret this variant as likely pathogenic.